The following is an entry in ClinVar:

NM_174936.4(PCSK9):c.657+13G>A

Gene: PCSK9 (proprotein convertase subtilisin/kexin type 9; plus strand). Cytogenetic location: 1p32.3.
Variant type: single nucleotide variant.
Coding change: c.657+13G>A on transcript NM_174936.4 (MANE Select); 13 bases into the intron after coding-DNA position 657, G replaced by A.
Molecular consequence: intron variant.
Genome position (GRCh38, 1-based): chr1:55,052,424, G>A. VCF-style: chr1-55052424-G-A. GRCh37 (hg19) VCF-style: chr1-55518097-G-A.
Other names: c.282+13G>A (NM_001407246.1); c.780+13G>A (NM_001407240.1); c.657+13G>A (NM_001407242.1, NM_001407241.1, NM_001407244.1 and 1 more transcripts); c.600+13G>A (NM_001407243.1); c.465+13G>A (NM_001407245.1).
Identifiers: ClinVar variation 3652335 (VCV003652335.4).

ClinVar aggregate classification (germline): Likely benign. Review status: criteria provided, multiple submitters, no conflicts (2 of 4 stars). 2 submissions from 2 submitters: Likely benign (2). Last evaluated 2025-07-16.

Conditions:
Hypercholesterolemia, autosomal dominant, 3 (FHCL3). Also called: Familial Hypercholesterolemia, Autosomal Dominant, 3; PCSK9-Related Familial Hypercholesterolemia, Autosomal Dominant; Familial hypercholesterolemia 3. Identifiers: MedGen C1863551, MONDO:0011369, OMIM 603776.

gnomAD v4.1: 8 of 1,613,622 alleles (0.0005%); highest among the groups gnomAD compares: Middle Eastern, 0.017%; no homozygotes.

Submissions (2):

Labcorp Genetics (formerly Invitae), Labcorp
Classification: Likely benign for Hypercholesterolemia, autosomal dominant, 3. Last evaluated: 2025-07-16. Review status: criteria provided, single submitter. Criteria: Invitae Variant Classification Sherloc (09022015). Collection method: clinical testing. Allele origin: germline.

Women's Health and Genetics/Laboratory Corporation of America, LabCorp
Classification: Likely benign. Last evaluated: 2025-04-25. Review status: criteria provided, single submitter. Criteria: LabCorp Variant Classification Summary - May 2015. Collection method: clinical testing. Allele origin: germline.
Comment: Variant summary: PCSK9 c.657+13G>A alters a non-conserved nucleotide located at a position not widely known to affect splicing. Consensus agreement among computation tools predict no significant impact on normal splicing. However, these predictions have yet to be confirmed by functional studies. The variant allele was found at a frequency of 1.2e-05 in 250434 control chromosomes. The available data on variant occurrences in the general population are insufficient to allow any conclusion about variant significance. To our knowledge, no occurrence of c.657+13G>A in individuals affected with Familial Hypercholesterolemia and no experimental evidence demonstrating its impact on protein function have been reported. ClinVar contains an entry for this variant (Variation ID: 3652335). Based on the evidence outlined above, the variant was classified as likely benign.